The following is an entry in ClinVar:

NM_130384.3(ATRIP):c.236G>C (p.Arg79Pro)

Genes: ATRIP (ATR interacting protein; plus strand), ATRIP-TREX1 (ATRIP-TREX1 readthrough; plus strand). Cytogenetic location: 3p21.31.
Variant type: single nucleotide variant.
Coding change: c.236G>C on transcript NM_130384.3 (MANE Select); coding-DNA position 236, G replaced by C.
Protein change: p.Arg79Pro; replaces arginine 79 with proline.
Molecular consequence: missense variant. On other transcripts: non-coding transcript variant (1), intron variant (1).
Genome position (GRCh38, 1-based): chr3:48,447,081, G>C. VCF-style: chr3-48447081-G-C. GRCh37 (hg19) VCF-style: chr3-48488485-G-C.
Other names: c.236G>C, p.Arg79Pro (NM_032166.4); c.-218+282G>C (NM_001271022.2); short protein forms R79P.
Identifiers: ClinVar variation 3674865 (VCV003674865.2).

ClinVar aggregate classification (germline): Uncertain significance (1 of 4 stars; one submission).

Submission:

Labcorp Genetics (formerly Invitae), Labcorp
Classification: Uncertain significance. Last evaluated: 2024-11-07. Review status: criteria provided, single submitter. Criteria: Invitae Variant Classification Sherloc (09022015). Collection method: clinical testing. Allele origin: germline.
Comment: This sequence change replaces arginine, which is basic and polar, with proline, which is neutral and non-polar, at codon 79 of the ATRIP protein (p.Arg79Pro). This variant is not present in population databases (gnomAD no frequency). This variant has not been reported in the literature in individuals affected with ATRIP-related conditions. An algorithm developed to predict the effect of missense changes on protein structure and function outputs the following: PolyPhen-2: "Benign". The proline amino acid residue is found in multiple mammalian species, which suggests that this missense change does not adversely affect protein function. In summary, the available evidence is currently insufficient to determine the role of this variant in disease. Therefore, it has been classified as a Variant of Uncertain Significance.